The following is an entry in ClinVar:

ClinVar aggregate classification (germline): Uncertain significance. Review status: criteria provided, multiple submitters, no conflicts (2 of 4 stars). 2 submissions from 2 submitters: Uncertain significance (2). Last evaluated 2022-01-14.

Conditions:
Emery-Dreifuss muscular dystrophy 4, autosomal dominant (EDMD4). Also called: EMERY-DREIFUSS MUSCULAR DYSTROPHY 4 WITH VARIABLE FEATURES. Identifiers: Orphanet 261, MedGen C2751807, MONDO:0013071, OMIM 612998.
Autosomal recessive ataxia, Beauce type. Also called: Spinocerebellar ataxia, autosomal recessive 8; ATAXIA, RECESSIVE, OF BEAUCE; SYNE1-Related Autosomal Recessive Cerebellar Ataxia; SYNE1 Deficiency. Identifiers: Orphanet 88644, MedGen C1853116, MONDO:0012549, OMIM 610743.
Limb-girdle muscular dystrophy (LGMD). Also called: Muscular Dystrophies, Limb-Girdle. Identifiers: Orphanet 263, MedGen C0686353, MeSH D049288, MONDO:0016971, HP:0006785.

Allele frequency attached by ClinVar (database versions not stated): gnomAD 0.00001; ExAC 0.00002; gnomAD exomes 0.00002 and 0.00004; TOPMed 0.00002.
gnomAD v4.1: 68 of 1,614,020 alleles (0.0042%); highest among the groups gnomAD compares: Non-Finnish European, 0.0055%; no homozygotes.

Submissions (2):

Labcorp Genetics (formerly Invitae), Labcorp
Classification: Uncertain significance for Emery-Dreifuss muscular dystrophy 4, autosomal dominant; Autosomal recessive ataxia, Beauce type. Last evaluated: 2022-01-14. Review status: criteria provided, single submitter. Criteria: Invitae Variant Classification Sherloc (09022015). Collection method: clinical testing. Allele origin: germline.
Comment: This sequence change replaces alanine, which is neutral and non-polar, with threonine, which is neutral and polar, at codon 4647 of the SYNE1 protein (p.Ala4647Thr). This variant is present in population databases (rs759856569, gnomAD 0.002%). This variant has not been reported in the literature in individuals affected with SYNE1-related conditions. ClinVar contains an entry for this variant (Variation ID: 657961). Algorithms developed to predict the effect of missense changes on protein structure and function output the following: SIFT: "Tolerated"; PolyPhen-2: "Benign"; Align-GVGD: "Class C0". The threonine amino acid residue is found in multiple mammalian species, which suggests that this missense change does not adversely affect protein function. In summary, the available evidence is currently insufficient to determine the role of this variant in disease. Therefore, it has been classified as a Variant of Uncertain Significance.

Cambridge Genomics Laboratory, East Genomic Laboratory Hub, NHS Genomic Medicine Service
Classification: Uncertain significance for Limb-girdle muscular dystrophy. Last evaluated: 2019-07-11. Review status: criteria provided, single submitter. Criteria: ACGS Best Practice Guidelines for Variant Classification in Rare Disease 2020. Collection method: clinical testing. Allele origin: germline. Affected: yes. Observed: 1 variant allele.

NM_182961.4(SYNE1):c.14152G>A (p.Ala4718Thr)

Gene: SYNE1 (spectrin repeat containing nuclear envelope protein 1; minus strand). Cytogenetic location: 6q25.2.
Variant type: single nucleotide variant.
Coding change: c.14152G>A on transcript NM_182961.4 (MANE Select); coding-DNA position 14152, G replaced by A.
Protein change: p.Ala4718Thr; replaces alanine 4718 with threonine.
Molecular consequence: missense variant.
Genome position (GRCh38, 1-based): chr6:152,330,533, C>T on the plus strand (G>A on the coding strand, the complement: SYNE1 is on the minus strand). VCF-style: chr6-152330533-C-T. GRCh37 (hg19) VCF-style: chr6-152651668-C-T.
Other names: c.13939G>A, p.Ala4647Thr (NM_033071.5); short protein forms A4647T, A4718T.
Identifiers: ClinVar variation 657961 (VCV000657961.7), dbSNP rs759856569, ClinGen allele CA4056062.